The following is an entry in ClinVar:

ClinVar aggregate classification (germline): Uncertain significance. Review status: criteria provided, multiple submitters, no conflicts (2 of 4 stars). 4 submissions from 4 submitters: Uncertain significance (3). 1 of the submissions does not count toward it. Last evaluated 2023-01-11.

Conditions:
BBS5-related disorder. Also called: BBS5-related condition.
Bardet-Biedl syndrome (BBS). Identifiers: Orphanet 110, MedGen C0752166, MONDO:0015229.
Bardet-Biedl syndrome 5 (BBS5). Identifiers: Orphanet 110, MedGen C3892039, MONDO:0014434, OMIM 615983.
Inborn genetic diseases. Identifiers: MedGen C0950123, MeSH D030342.

Allele frequency attached by ClinVar (database versions not stated): ExAC 0.00001; gnomAD exomes 0.00001 and 0.00002; gnomAD 0.00003; TOPMed 0.00003.
gnomAD v4.1: 33 of 1,592,670 alleles (0.0021%); highest among the groups gnomAD compares: African/African-American, 0.0027%; no homozygotes.

Submissions (5):

Ambry Genetics
Classification: Uncertain significance for Inborn genetic diseases. Last evaluated: 2023-01-11. Review status: criteria provided, single submitter. Criteria: Ambry Variant Classification Scheme 2023. Collection method: clinical testing. Allele origin: germline.

Labcorp Genetics (formerly Invitae), Labcorp
Classification: Uncertain significance for Bardet-Biedl syndrome. Last evaluated: 2022-07-20. Review status: criteria provided, single submitter. Criteria: Invitae Variant Classification Sherloc (09022015). Collection method: clinical testing. Allele origin: germline.
Comment: This sequence change replaces glutamic acid, which is acidic and polar, with valine, which is neutral and non-polar, at codon 223 of the BBS5 protein (p.Glu223Val). This variant is present in population databases (rs775524491, gnomAD 0.004%). This variant has not been reported in the literature in individuals affected with BBS5-related conditions. ClinVar contains an entry for this variant (Variation ID: 1425304). Algorithms developed to predict the effect of missense changes on protein structure and function are either unavailable or do not agree on the potential impact of this missense change (SIFT: "Deleterious"; PolyPhen-2: "Benign"; Align-GVGD: "Class C35"). Algorithms developed to predict the effect of sequence changes on RNA splicing suggest that this variant may disrupt the consensus splice site. In summary, the available evidence is currently insufficient to determine the role of this variant in disease. Therefore, it has been classified as a Variant of Uncertain Significance.

Fulgent Genetics
Classification: Uncertain significance for Bardet-Biedl syndrome 5. Last evaluated: 2022-04-27. Review status: criteria provided, single submitter. Criteria: ACMG Guidelines, 2015. Collection method: clinical testing. Allele origin: unknown.

PreventionGenetics, part of Exact Sciences
Classification: Uncertain significance for BBS5-related condition. Last evaluated: 2024-08-13. Review status: no assertion criteria provided. Collection method: clinical testing. Allele origin: germline. Not counted in ClinVar's aggregate classification.
Comment: The BBS5 c.668A>T variant is predicted to result in the amino acid substitution p.Glu223Val. To our knowledge, this variant has not been reported in the literature. This variant is reported in 0.0040% of alleles in individuals of African descent in gnomAD. At this time, the clinical significance of this variant is uncertain due to the absence of conclusive functional and genetic evidence.

Dr. Peter K. Rogan Lab, Western University
No classification provided (evidence only). Condition: Malignant tumor of urinary bladder. Review status: no classification provided. Collection method: in vitro. Allele origin: not applicable. Functional consequence: skipped exon. Not counted in ClinVar's aggregate classification.

NM_152384.3(BBS5):c.668A>T (p.Glu223Val)

Gene: BBS5 (Bardet-Biedl syndrome 5; plus strand). Cytogenetic location: 2q31.1.
Variant type: single nucleotide variant.
Coding change: c.668A>T on transcript NM_152384.3 (MANE Select); coding-DNA position 668, A replaced by T.
Protein change: p.Glu223Val; replaces glutamic acid 223 with valine.
Molecular consequence: missense variant.
Genome position (GRCh38, 1-based): chr2:169,497,676, A>T. VCF-style: chr2-169497676-A-T. GRCh37 (hg19) VCF-style: chr2-170354186-A-T.
Other names: c.668A>T (NM_152384.2); short protein forms E223V.
Identifiers: ClinVar variation 1425304 (VCV001425304.9), dbSNP rs775524491, ClinGen allele CA1956268.
Genomic context (GRCh38, chr2:169,497,676, plus strand): 5'-TTTGTATCTAGCGTTCAATAAAGATTAGAGATTCAAAATTTGGTTTAGCTCTTGTCATAG[A>T]AAGCTCTCAGCAGGTAAGATCTTGTATATTTTTATTAATCTTTGATTTTTAAAACTATGT-3'
Protein context (NP_689597.1, residues 213-233): DSKFGLALVI[Glu223Val]SSQQSGGYVL